The following is an entry in ClinVar:

NM_001378454.1(ALMS1):c.114_131dup (p.Val43_Glu44insAspAspValValValVal)

Gene: ALMS1 (ALMS1 centrosome and basal body associated protein; plus strand). Cytogenetic location: 2p13.1.
Variant type: Duplication.
Coding change: c.114_131dup on transcript NM_001378454.1 (MANE Select); coding-DNA positions 114 to 131, 18 bases duplicated (CGACGTAGTGGTCGTGGA).
Protein change: p.Val43_Glu44insAspAspValValValVal.
Molecular consequence: inframe insertion.
Genome position (GRCh38, 1-based): chr2:73,385,982-73,385,999, CGACGTAGTGGTCGTGGA duplicated; duplicating any 18 consecutive bases within chr2:73,385,976-73,385,999 gives the same sequence; the c. name uses the placement nearest the transcript's 3' end. VCF-style (leftmost placement, unchanged base first): chr2-73385975-A-ACGTGGACGACGTAGTGGT. GRCh37 (hg19) VCF-style: chr2-73613103-A-ACGTGGACGACGTAGTGGT.
Other names: c.117_134dup18 (NM_015120.4); c.117_134dup, p.Val44_Glu45insAspAspValValValVal (NM_015120.4).
Identifiers: ClinVar variation 4995516 (VCV004995516.1).

ClinVar aggregate classification (germline): Uncertain significance (1 of 4 stars; one submission).

Conditions:
ALMS1-related disorder. Also called: ALMS1-related condition.

Submission:

PreventionGenetics, part of Exact Sciences
Classification: Uncertain significance for ALMS1-related condition. Last evaluated: 2025-10-28. Review status: criteria provided, single submitter. Criteria: ACMG Guidelines, 2015. Collection method: clinical testing. Allele origin: germline.
Comment: The ALMS1 c.117_134dup18 variant is predicted to result in an in-frame duplication (p.Asp39_Glu44dup). To our knowledge, this variant has not been reported in the literature or in a large population database (gnomAD), indicating this variant is rare. At this time, the clinical significance of this variant is uncertain due to the absence of conclusive functional and genetic evidence.